The following is an entry in ClinVar:

NM_002907.4(RECQL):c.1603C>T (p.Pro535Ser)

Gene: RECQL (RecQ like helicase; minus strand). Cytogenetic location: 12p12.1.
Variant type: single nucleotide variant.
Coding change: c.1603C>T on transcript NM_002907.4 (MANE Select); coding-DNA position 1603, C replaced by T.
Protein change: p.Pro535Ser; replaces proline 535 with serine.
Molecular consequence: missense variant.
Genome position (GRCh38, 1-based): chr12:21,471,492, G>A on the plus strand (C>T on the coding strand, the complement: RECQL is on the minus strand). VCF-style: chr12-21471492-G-A. GRCh37 (hg19) VCF-style: chr12-21624426-G-A.
Other names: c.1603C>T, p.Pro535Ser (NM_032941.3); short protein forms P535S.
Identifiers: ClinVar variation 3222942 (VCV003222942.1), dbSNP rs2137316099, ClinGen allele CA384116060.

ClinVar aggregate classification (germline): Uncertain significance (1 of 4 stars; one submission).

gnomAD v4.1: 1 of 1,613,150 alleles (0.000062%); highest among the groups gnomAD compares: Non-Finnish European, 0.000085%; no homozygotes.

Submission:

Ambry Genetics
Classification: Uncertain significance. Last evaluated: 2024-01-25. Review status: criteria provided, single submitter. Criteria: Ambry Variant Classification Scheme 2023. Collection method: clinical testing. Allele origin: germline.
Comment: The p.P535S variant (also known as c.1603C>T), located in coding exon 12 of the RECQL gene, results from a C to T substitution at nucleotide position 1603. The proline at codon 535 is replaced by serine, an amino acid with similar properties. This amino acid position is conserved. In addition, this alteration is predicted to be tolerated by in silico analysis. Based on the available evidence, the clinical significance of this alteration remains unclear.